The following is an entry in ClinVar:

NC_000008.11:g.(?_71199320)_(71356506_?)del

Genes: EYA1 (EYA transcriptional coactivator and phosphatase 1; minus strand), LOC130000578 (ATAC-STARR-seq lymphoblastoid active region 27512; plus strand), LOC130000579 (ATAC-STARR-seq lymphoblastoid active region 27513; plus strand), LOC130000580 (ATAC-STARR-seq lymphoblastoid active region 27514; plus strand), LOC130000581 (ATAC-STARR-seq lymphoblastoid active region 27515; plus strand) and 1 more. Cytogenetic location: 8q13.3.
Variant type: Deletion.
Identifiers: ClinVar variation 584228 (VCV000584228.11).

ClinVar aggregate classification (germline): Pathogenic. Review status: criteria provided, single submitter (1 of 4 stars). 2 submissions from 1 submitter: Pathogenic (2). Last evaluated 2019-09-16.

Conditions:
Melnick-Fraser syndrome (BOR). Also called: Branchiootorenal syndrome; Branchio-oto-renal syndrome; Branchiootorenal Syndrome (BORS). Identifiers: Orphanet 107, MedGen C0265234, MONDO:0007029.
Branchiootorenal syndrome 1. Also called: Branchio-Oto-Renal Syndrome 1. Identifiers: Orphanet 107, MedGen C4551702, MONDO:0007236, OMIM 113650.

Submissions (2):

Labcorp Genetics (formerly Invitae), Labcorp
Classification: Pathogenic for Melnick-Fraser syndrome. Last evaluated: 2019-09-16. Review status: criteria provided, single submitter. Criteria: Invitae Variant Classification Sherloc (09022015). Collection method: clinical testing. Allele origin: germline.
Comment: A gross deletion of the genomic region encompassing the full coding sequence of the EYA1 gene has been identified. The boundaries of this event are unknown as the deletion extends beyond the assayed region for this gene and therefore may encompass additional genes. Similar whole-gene deletions of EYA1 have been observed in individuals with branchiootorenal syndrome (PMID: 22382802, 2773990). ClinVar contains an entry for a similar whole-gene deletion (Variation ID: 145997). Loss-of-function variants in EYA1 are known to be pathogenic (PMID: 18220287). For these reasons, this variant has been classified as Pathogenic.

Labcorp Genetics (formerly Invitae), Labcorp
Classification: Pathogenic for Melnick-Fraser syndrome. Last evaluated: 2018-05-20. Review status: criteria provided, single submitter. Criteria: Invitae Variant Classification Sherloc (09022015). Collection method: clinical testing. Allele origin: germline.
Comment: A gross deletion of the genomic region encompassing the full coding sequence of the EYA1 gene has been identified. The boundaries of this event are unknown as the deletion extends beyond the assayed region for this gene and therefore may encompass additional genes. For these reasons, this variant has been classified as Pathogenic. Loss-of-function variants in EYA1 are known to be pathogenic (PMID: 18220287). Similar whole-gene deletions of EYA1 have been observed in individuals with branchiootorenal syndrome (PMID: 22382802, 2773990). ClinVar contains an entry for a similar whole-gene deletion (Variation ID: 145997).

Literature cited by the submitters: PubMed 2773990; PubMed 22382802; PubMed 18220287.